The following is an entry in ClinVar:

NM_001142800.2(EYS):c.6139A>T (p.Arg2047Ter)

Gene: EYS (EGF-like photoreceptor maintenance factor; minus strand). Cytogenetic location: 6q12.
Variant type: single nucleotide variant.
Coding change: c.6139A>T on transcript NM_001142800.2 (MANE Select); coding-DNA position 6139, A replaced by T.
Protein change: p.Arg2047Ter; replaces arginine 2047 with a stop codon.
Molecular consequence: nonsense.
Genome position (GRCh38, 1-based): chr6:64,307,022, T>A on the plus strand (A>T on the coding strand, the complement: EYS is on the minus strand). VCF-style: chr6-64307022-T-A. GRCh37 (hg19) VCF-style: chr6-65016915-T-A.
Other names: c.6139A>T, p.Arg2047Ter (NM_001292009.2); short protein forms R2047*.
Identifiers: ClinVar variation 1075367 (VCV001075367.7), dbSNP rs1769476342, ClinGen allele CA364391781.

ClinVar aggregate classification (germline): Pathogenic (1 of 4 stars; one submission).

Submission:

Labcorp Genetics (formerly Invitae), Labcorp
Classification: Pathogenic. Last evaluated: 2022-10-09. Review status: criteria provided, single submitter. Criteria: Invitae Variant Classification Sherloc (09022015). Collection method: clinical testing. Allele origin: germline.
Comment: This sequence change creates a premature translational stop signal (p.Arg2047*) in the EYS gene. It is expected to result in an absent or disrupted protein product. Loss-of-function variants in EYS are known to be pathogenic (PMID: 18836446, 20333770). This variant is not present in population databases (gnomAD no frequency). For these reasons, this variant has been classified as Pathogenic. Algorithms developed to predict the effect of sequence changes on RNA splicing suggest that this variant may disrupt the consensus splice site. ClinVar contains an entry for this variant (Variation ID: 1075367). This variant has not been reported in the literature in individuals affected with EYS-related conditions.

Literature cited by the submitters: PubMed 18836446; PubMed 20333770.